The following is an entry in ClinVar:

NM_001845.6(COL4A1):c.1305G>T (p.Gln435His)

Genes: COL4A1 (collagen type IV alpha 1 chain; minus strand), LOC126861856 (BRD4-independent group 4 enhancer GRCh37_chr13:110846747-110847946; plus strand). Cytogenetic location: 13q34.
Variant type: single nucleotide variant.
Coding change: c.1305G>T on transcript NM_001845.6 (MANE Select); coding-DNA position 1305, G replaced by T.
Protein change: p.Gln435His; replaces glutamine 435 with histidine.
Molecular consequence: missense variant.
Genome position (GRCh38, 1-based): chr13:110,195,099, C>A on the plus strand (G>T on the coding strand, the complement: COL4A1 is on the minus strand). VCF-style: chr13-110195099-C-A. GRCh37 (hg19) VCF-style: chr13-110847446-C-A.
Other names: c.1305G>T, p.Gln435His (NM_001303110.2); short protein forms Q435H.
Identifiers: ClinVar variation 4746051 (VCV004746051.1).

ClinVar aggregate classification (germline): Uncertain significance (1 of 4 stars; one submission).

gnomAD v4.1: 3 of 1,614,138 alleles (0.00019%); highest among the groups gnomAD compares: South Asian, 0.0033%; no homozygotes.

Submission:

Labcorp Genetics (formerly Invitae), Labcorp
Classification: Uncertain significance. Last evaluated: 2025-06-07. Review status: criteria provided, single submitter. Criteria: Invitae Variant Classification Sherloc (09022015). Collection method: clinical testing. Allele origin: germline.
Comment: This sequence change replaces glutamine, which is neutral and polar, with histidine, which is basic and polar, at codon 435 of the COL4A1 protein (p.Gln435His). This variant is not present in population databases (gnomAD no frequency). This variant has not been reported in the literature in individuals affected with COL4A1-related conditions. Invitae Evidence Modeling of protein sequence and biophysical properties (such as structural, functional, and spatial information, amino acid conservation, physicochemical variation, residue mobility, and thermodynamic stability) indicates that this missense variant is not expected to disrupt COL4A1 protein function with a negative predictive value of 95%. In summary, the available evidence is currently insufficient to determine the role of this variant in disease. Therefore, it has been classified as a Variant of Uncertain Significance.